The following is an entry in ClinVar:

NM_000053.4(ATP7B):c.4118T>C (p.Leu1373Pro)

Gene: ATP7B (ATPase copper transporting beta; minus strand). Cytogenetic location: 13q14.3.
Variant type: single nucleotide variant.
Coding change: c.4118T>C on transcript NM_000053.4 (MANE Select); coding-DNA position 4118, T replaced by C.
Protein change: p.Leu1373Pro; replaces leucine 1373 with proline.
Molecular consequence: missense variant.
Genome position (GRCh38, 1-based): chr13:51,935,599, A>G on the plus strand (T>C on the coding strand, the complement: ATP7B is on the minus strand). VCF-style: chr13-51935599-A-G. GRCh37 (hg19) VCF-style: chr13-52509735-A-G.
Other names: c.3497T>C, p.Leu1166Pro (NM_001005918.3); c.3785T>C, p.Leu1262Pro (NM_001243182.2); c.3884T>C, p.Leu1295Pro (NM_001330578.2); c.3866T>C, p.Leu1289Pro (NM_001330579.2); short protein forms L1373P, L1289P, L1166P, L1262P, L1295P.
Identifiers: ClinVar variation 552788 (VCV000552788.8), dbSNP rs780811477, ClinGen allele CA388019964.

ClinVar aggregate classification (germline): Likely pathogenic. Review status: criteria provided, multiple submitters, no conflicts (2 of 4 stars). 3 submissions from 3 submitters: Likely pathogenic (2). 1 of the submissions does not count toward it. Last evaluated 2019-03-10.

Conditions:
Wilson disease (WND). Also called: Wilson's disease. Identifiers: Orphanet 905, MedGen C0019202, MONDO:0010200, OMIM 277900. Disease mechanism: loss of function.

Submissions (3):

Revvity Omics, Revvity
Classification: Likely pathogenic for Wilson disease. Last evaluated: 2019-03-10. Review status: criteria provided, single submitter. Criteria: ACMG Guidelines, 2015. Collection method: clinical testing. Allele origin: germline.

Juno Genomics, Hangzhou Juno Genomics, Inc
Classification: Likely pathogenic for Wilson disease. Review status: criteria provided, single submitter. Criteria: ACMG Guidelines, 2015. Collection method: clinical testing. Allele origin: germline.
Comment: Absent from controls (or at extremely low frequency if recessive) in Genome Aggregation Database.;Multiple lines of computational evidence support a deleterious effect on the gene or gene product.;Patient's phenotype or family history is highly specific for a disease with a single genetic etiology.

Counsyl
Classification: Uncertain significance for Wilson disease. Last evaluated: 2017-07-07. Review status: no assertion criteria provided. Collection method: clinical testing. Allele origin: unknown. Not counted in ClinVar's aggregate classification.

Literature cited by the submitters: PubMed 21454443 (cited by Counsyl); PubMed 10790207 (cited by Counsyl).